The following is an entry in ClinVar:

ClinVar aggregate classification (germline): Benign. Review status: criteria provided, multiple submitters, no conflicts (2 of 4 stars). 2 submissions from 2 submitters: Benign (2). Last evaluated 2018-01-13.

Conditions:
Cataract 18 (CATC2). Also called: CATARACT 18, AUTOSOMAL RECESSIVE. Identifiers: Orphanet 91492, Orphanet 98991, Orphanet 98992, Orphanet 98995, MedGen C1864908, MONDO:0012395, OMIM 610019.

Allele frequency attached by ClinVar (database versions not stated): gnomAD 0.08051 and 0.08813; 1000 Genomes Project 30x 0.10447; TOPMed 0.07342; 1000 Genomes Project 0.10723.

Submissions (3):

Illumina Laboratory Services, Illumina
Classification: Benign for Cataract 18. Last evaluated: 2018-01-13. Review status: criteria provided, single submitter. Criteria: ICSL Variant Classification Criteria 13 December 2019. Collection method: clinical testing. Allele origin: germline.
Comment: This variant was observed in the ICSL laboratory as part of a predisposition screen in an ostensibly healthy population. It had not been previously curated by ICSL or reported in the Human Gene Mutation Database (HGMD: prior to June 1st, 2018), and was therefore a candidate for classification through an automated scoring system. Utilizing variant allele frequency, disease prevalence and penetrance estimates, and inheritance mode, an automated score was calculated to assess if this variant is too frequent to cause the disease. Based on the score and internal cut-off values, a variant classified as benign is not then subjected to further curation. The score for this variant resulted in a classification of benign for this disease.

Breakthrough Genomics
Classification: Benign. Review status: criteria provided, single submitter. Criteria: ACMG Guidelines, 2015. Collection method: not provided. Allele origin: germline. Inheritance: Autosomal recessive inheritance. Affected: yes.

Dr. Peter K. Rogan Lab, Western University
No classification provided (evidence only). Condition: Acute myeloid leukemia. Review status: no classification provided. Collection method: in vitro. Allele origin: not applicable. Functional consequence: retained intron. Not counted in ClinVar's aggregate classification.

NM_024513.4(FYCO1):c.*2837C>G

Gene: FYCO1 (FYVE and coiled-coil domain autophagy adaptor 1; minus strand). Cytogenetic location: 3p21.31.
Variant type: single nucleotide variant.
Coding change: c.*2837C>G on transcript NM_024513.4 (MANE Select); 2837 bases downstream of the stop codon, C replaced by G.
Molecular consequence: 3 prime UTR variant.
Genome position (GRCh38, 1-based): chr3:45,918,928, G>C on the plus strand (C>G on the coding strand, the complement: FYCO1 is on the minus strand). VCF-style: chr3-45918928-G-C. GRCh37 (hg19) VCF-style: chr3-45960420-G-C.
Other names: NC_000003.11:g.45960420G>C.
Identifiers: ClinVar variation 345449 (VCV000345449.7), dbSNP rs1994491, ClinGen allele CA10618909.